The following is an entry in ClinVar:

ClinVar aggregate classification (germline): Uncertain significance (1 of 4 stars; one submission).

Conditions:
Wilson-Turner syndrome (WTS). Also called: INTELLECTUAL DEVELOPMENTAL DISORDER, X-LINKED, SYNDROMIC, WILSON-TURNER TYPE; MENTAL RETARDATION, X-LINKED, SYNDROMIC 6. Identifiers: Orphanet 3459, MedGen C1839736, MONDO:0010665, OMIM 309585.

Allele frequency attached by ClinVar (database versions not stated): gnomAD 0.00004; gnomAD exomes 0.00004; TOPMed 0.00005.
gnomAD v4.1: 43 of 1,165,913 alleles (0.0037%); highest among the groups gnomAD compares: Admixed American, 0.0078%; no homozygotes.

Submission:

Labcorp Genetics (formerly Invitae), Labcorp
Classification: Uncertain significance for Wilson-Turner syndrome. Last evaluated: 2023-10-04. Review status: criteria provided, single submitter. Criteria: Invitae Variant Classification Sherloc (09022015). Collection method: clinical testing. Allele origin: germline.
Comment: This sequence change replaces glycine, which is neutral and non-polar, with serine, which is neutral and polar, at codon 702 of the LAS1L protein (p.Gly702Ser). This variant is present in population databases (rs775900835, gnomAD 0.008%). This variant has not been reported in the literature in individuals affected with LAS1L-related conditions. Algorithms developed to predict the effect of missense changes on protein structure and function output the following: SIFT: "Not Available"; PolyPhen-2: "Benign"; Align-GVGD: "Not Available". The serine amino acid residue is found in multiple mammalian species, which suggests that this missense change does not adversely affect protein function. In summary, the available evidence is currently insufficient to determine the role of this variant in disease. Therefore, it has been classified as a Variant of Uncertain Significance.

NM_031206.7(LAS1L):c.2104G>A (p.Gly702Ser)

Gene: LAS1L (LAS1 like ribosome biogenesis factor; minus strand). Cytogenetic location: Xq12.
Variant type: single nucleotide variant.
Coding change: c.2104G>A on transcript NM_031206.7 (MANE Select); coding-DNA position 2104, G replaced by A.
Protein change: p.Gly702Ser; replaces glycine 702 with serine.
Molecular consequence: missense variant. On other transcripts: non-coding transcript variant (1).
Genome position (GRCh38, 1-based): chrX:65,512,876, C>T on the plus strand (G>A on the coding strand, the complement: LAS1L is on the minus strand). VCF-style: chrX-65512876-C-T. GRCh37 (hg19) VCF-style: chrX-64732756-C-T.
Other names: c.2053G>A, p.Gly685Ser (NM_001170649.2); c.1927G>A, p.Gly643Ser (NM_001170650.2); c.2101G>A, p.Gly701Ser (NM_001375328.1); c.1147G>A, p.Gly383Ser (NM_001375332.1); c.2050G>A, p.Gly684Ser (NM_001375333.1); short protein forms G701S, G684S, G383S, G643S, G685S, G702S.
Identifiers: ClinVar variation 2856637 (VCV002856637.3), dbSNP rs775900835, ClinGen allele CA10433824.